The following is an entry in ClinVar:

ClinVar aggregate classification (germline): Pathogenic (1 of 4 stars; one submission).

Conditions:
Multiple sulfatase deficiency (MSD). Also called: Mucosulfatidosis; Multiple Sulfatase Deficiency Disease; Sulfatidosis, Juvenile, Austin Type. Identifiers: Orphanet 585, MedGen C0268263, MONDO:0010088, OMIM 272200.

Submission:

Labcorp Genetics (formerly Invitae), Labcorp
Classification: Pathogenic for Multiple sulfatase deficiency. Last evaluated: 2023-06-05. Review status: criteria provided, single submitter. Criteria: Invitae Variant Classification Sherloc (09022015). Collection method: clinical testing. Allele origin: unknown.
Comment: This variant has not been reported in the literature in individuals affected with SUMF1-related conditions. This variant is a gross deletion of the genomic region encompassing exon(s) 3-6 of the SUMF1 gene. This variant would be expected to be in-frame, preserving the integrity of the reading frame. This variant disrupts a region of the SUMF1 protein in which other variant(s) (p.Ala279Val) have been determined to be pathogenic (PMID: 12757705, 15146462, 18157819, 25373814, 25885655). This suggests that this is a clinically significant region of the protein, and that variants that disrupt it are likely to be disease-causing. For these reasons, this variant has been classified as Pathogenic.

Literature cited by the submitters: PubMed 12757705; PubMed 15146462; PubMed 18157819; PubMed 25373814; PubMed 25885655.

NC_000003.11:g.(?_4458792)_(4491044_?)del

Gene: SUMF1 (sulfatase modifying factor 1; minus strand). Cytogenetic location: 3p26.1.
Variant type: Deletion.
Identifiers: ClinVar variation 3246850 (VCV003246850.1).